The following is an entry in ClinVar:

ClinVar aggregate classification (germline): Conflicting classifications of pathogenicity. Review status: criteria provided, conflicting classifications (1 of 4 stars). 3 submissions from 3 submitters: Uncertain significance (1); Likely benign (2). Last evaluated 2025-12-17.

Conditions:
Encephalopathy, acute, infection-induced (herpes-specific), susceptibility to, 1. Also called: Herpes simplex encephalitis, susceptibility to, 1. Identifiers: Orphanet 1930, MedGen C2750180, MONDO:0024563, OMIM 610551.
TLR3-related disorder. Also called: TLR3-related condition.

Allele frequency attached by ClinVar (database versions not stated): gnomAD 0.00003; TOPMed 0.00006.

Submissions (3):

Labcorp Genetics (formerly Invitae), Labcorp
Classification: Likely benign for Encephalopathy, acute, infection-induced (herpes-specific), susceptibility to, 1. Last evaluated: 2025-12-17. Review status: criteria provided, single submitter. Criteria: Invitae Variant Classification Sherloc (09022015). Collection method: clinical testing. Allele origin: germline.

PreventionGenetics, part of Exact Sciences
Classification: Likely benign for TLR3-related condition. Last evaluated: 2025-03-14. Review status: criteria provided, single submitter. Criteria: ACMG Guidelines, 2015. Collection method: clinical testing. Allele origin: germline.
Comment: This variant is classified as likely benign based on ACMG/AMP sequence variant interpretation guidelines (Richards et al. 2015 PMID: 25741868, with internal and published modifications).

Ambry Genetics
Classification: Uncertain significance. Last evaluated: 2022-11-21. Review status: criteria provided, single submitter. Criteria: Ambry Variant Classification Scheme 2023. Collection method: clinical testing. Allele origin: germline.

NM_003265.3(TLR3):c.957C>A (p.His319Gln)

Gene: TLR3 (toll like receptor 3; plus strand). Cytogenetic location: 4q35.1.
Variant type: single nucleotide variant.
Coding change: c.957C>A on transcript NM_003265.3 (MANE Select); coding-DNA position 957, C replaced by A.
Protein change: p.His319Gln; replaces histidine 319 with glutamine.
Molecular consequence: missense variant.
Genome position (GRCh38, 1-based): chr4:186,082,643, C>A. VCF-style: chr4-186082643-C-A. GRCh37 (hg19) VCF-style: chr4-187003797-C-A.
Other names: short protein forms H319Q.
Identifiers: ClinVar variation 537928 (VCV000537928.14), dbSNP rs144596374, ClinGen allele CA3161334.